The following is an entry in ClinVar:

ClinVar aggregate classification (germline): Conflicting classifications of pathogenicity. Review status: criteria provided, conflicting classifications (1 of 4 stars). 3 submissions from 3 submitters: Uncertain significance (1); Benign (1); Likely benign (1). Last evaluated 2024-10-07.

Conditions:
Inborn genetic diseases. Identifiers: MedGen C0950123, MeSH D030342.
Occult macular dystrophy (OCMD). Also called: OMD; OCCULT MACULAR DYSTROPHY, SUSCEPTIBILITY TO. Identifiers: Orphanet 247834, MedGen C3150833, MONDO:0013316, OMIM 613587, HP:0030636.

Allele frequency attached by ClinVar (database versions not stated): gnomAD exomes 0.00019; ESP Exome Variant Server 0.00182; gnomAD 0.00199; 1000 Genomes Project 0.00319.

Submissions (3):

Blueprint Genetics
Classification: Likely benign. Last evaluated: 2024-10-07. Review status: criteria provided, single submitter. Criteria: ACMG Guidelines, 2015. Collection method: clinical testing. Allele origin: germline.

Ambry Genetics
Classification: Uncertain significance for Inborn genetic diseases. Last evaluated: 2021-09-17. Review status: criteria provided, single submitter. Criteria: Ambry Variant Classification Scheme 2023. Collection method: clinical testing. Allele origin: germline.

Illumina Laboratory Services, Illumina
Classification: Benign for Occult macular dystrophy. Last evaluated: 2018-01-12. Review status: criteria provided, single submitter. Criteria: ICSL Variant Classification Criteria 13 December 2019. Collection method: clinical testing. Allele origin: germline.
Comment: This variant was observed in the ICSL laboratory as part of a predisposition screen in an ostensibly healthy population. It had not been previously curated by ICSL or reported in the Human Gene Mutation Database (HGMD: prior to June 1st, 2018), and was therefore a candidate for classification through an automated scoring system. Utilizing variant allele frequency, disease prevalence and penetrance estimates, and inheritance mode, an automated score was calculated to assess if this variant is too frequent to cause the disease. Based on the score and internal cut-off values, a variant classified as benign is not then subjected to further curation. The score for this variant resulted in a classification of benign for this disease.

NM_178857.6(RP1L1):c.5618A>T (p.Asp1873Val)

Gene: RP1L1 (RP1 like 1). Cytogenetic location: 8p23.1.
Variant type: single nucleotide variant.
Coding change: c.5618A>T on transcript NM_178857.6 (MANE Select); coding-DNA position 5618, A replaced by T.
Protein change: p.Asp1873Val; replaces aspartic acid 1873 with valine.
Molecular consequence: missense variant.
Genome position (GRCh38, 1-based): chr8:10,608,480, T>A on the plus strand (A>T on the coding strand, the complement: RP1L1 is on the minus strand). VCF-style: chr8-10608480-T-A. GRCh37 (hg19) VCF-style: chr8-10465990-T-A.
Other names: short protein forms D1873V.
Identifiers: ClinVar variation 361245 (VCV000361245.7), dbSNP rs200622636, ClinGen allele CA4623588.